The following is an entry in ClinVar:

NM_177972.3(TUB):c.72G>A (p.Gln24=)

Gene: TUB (TUB bipartite transcription factor; plus strand). Cytogenetic location: 11p15.4.
Variant type: single nucleotide variant.
Coding change: c.72G>A on transcript NM_177972.3 (MANE Select); coding-DNA position 72, G replaced by A.
Protein change: p.Gln24=; no amino-acid change (glutamine 24 retained).
Molecular consequence: synonymous variant.
Genome position (GRCh38, 1-based): chr11:8,089,643, G>A. VCF-style: chr11-8089643-G-A. GRCh37 (hg19) VCF-style: chr11-8111190-G-A.
Other names: c.237G>A, p.Gln79= (NM_003320.5).
Identifiers: ClinVar variation 3352501 (VCV003352501.1).

ClinVar aggregate classification (germline): Likely benign (0 of 4 stars; one submission).

Conditions:
TUB-related disorder. Also called: TUB-related condition.

gnomAD v4.1: 15 of 1,614,226 alleles (0.00093%); highest among the groups gnomAD compares: South Asian, 0.014%; no homozygotes.

Submission:

PreventionGenetics, part of Exact Sciences
Classification: Likely benign for TUB-related condition. Last evaluated: 2022-04-12. Review status: no assertion criteria provided. Collection method: clinical testing. Allele origin: germline.
Comment: This variant is classified as likely benign based on ACMG/AMP sequence variant interpretation guidelines (Richards et al. 2015 PMID: 25741868, with internal and published modifications).